The following is an entry in ClinVar:

ClinVar aggregate classification (germline): Uncertain significance (1 of 4 stars; one submission).

gnomAD v4.1: 1 of 1,581,332 alleles (0.000063%); highest among the groups gnomAD compares: East Asian, 0.0023%; no homozygotes.

Submission:

Labcorp Genetics (formerly Invitae), Labcorp
Classification: Uncertain significance. Last evaluated: 2024-07-23. Review status: criteria provided, single submitter. Criteria: Invitae Variant Classification Sherloc (09022015). Collection method: clinical testing. Allele origin: germline.
Comment: This sequence change replaces threonine, which is neutral and polar, with proline, which is neutral and non-polar, at codon 463 of the CAMK2B protein (p.Thr463Pro). This variant is not present in population databases (gnomAD no frequency). This variant has not been reported in the literature in individuals affected with CAMK2B-related conditions. An algorithm developed to predict the effect of missense changes on protein structure and function outputs the following: PolyPhen-2: "Benign". The proline amino acid residue is found in multiple mammalian species, which suggests that this missense change does not adversely affect protein function. In summary, the available evidence is currently insufficient to determine the role of this variant in disease. Therefore, it has been classified as a Variant of Uncertain Significance.

NM_001220.5(CAMK2B):c.1387A>C (p.Thr463Pro)

Gene: CAMK2B (calcium/calmodulin dependent protein kinase II beta; minus strand). Cytogenetic location: 7p13.
Variant type: single nucleotide variant.
Coding change: c.1387A>C on transcript NM_001220.5 (MANE Select); coding-DNA position 1387, A replaced by C.
Protein change: p.Thr463Pro; replaces threonine 463 with proline.
Molecular consequence: missense variant. On other transcripts: intron variant (8).
Genome position (GRCh38, 1-based): chr7:44,228,877, T>G on the plus strand (A>C on the coding strand, the complement: CAMK2B is on the minus strand). VCF-style: chr7-44228877-T-G. GRCh37 (hg19) VCF-style: chr7-44268476-T-G.
Other names: c.947-7976A>C (NM_172084.3); c.1150+2129A>C (NM_172080.3); c.1036+2129A>C (NM_172083.3); c.1108+2129A>C (NM_172081.3); c.1153+2129A>C (NM_172079.3, NM_172082.3); c.1225+2129A>C (NM_001293170.2, NM_172078.3); short protein forms T463P.
Identifiers: ClinVar variation 3681216 (VCV003681216.2).